The following is an entry in ClinVar:

NM_000143.4(FH):c.1236+4A>T

Gene: FH (fumarate hydratase; minus strand). Cytogenetic location: 1q43.
Variant type: single nucleotide variant.
Coding change: c.1236+4A>T on transcript NM_000143.4 (MANE Select); 4 bases into the intron after coding-DNA position 1236, A replaced by T.
Molecular consequence: intron variant.
Genome position (GRCh38, 1-based): chr1:241,502,439, T>A on the plus strand (A>T on the coding strand, the complement: FH is on the minus strand). VCF-style: chr1-241502439-T-A. GRCh37 (hg19) VCF-style: chr1-241665739-T-A.
Identifiers: ClinVar variation 4825088 (VCV004825088.1).

ClinVar aggregate classification (germline): Uncertain significance (1 of 4 stars; one submission).

Conditions:
Hereditary cancer-predisposing syndrome. Also called: Neoplastic Syndromes, Hereditary; Tumor predisposition; Hereditary Cancer Syndrome; Hereditary neoplastic syndrome. Identifiers: Orphanet 140162, MedGen C0027672, MeSH D009386, MONDO:0015356.

Submission:

Ambry Genetics
Classification: Uncertain significance for Hereditary cancer-predisposing syndrome. Last evaluated: 2026-02-06. Review status: criteria provided, single submitter. Criteria: Ambry Variant Classification Scheme 2023. Collection method: clinical testing. Allele origin: germline.
Comment: The c.1236+4A>T intronic variant results from an A to T substitution 4 nucleotides after coding exon 8 in the FH gene. This nucleotide position is well conserved in available vertebrate species. In silico splice site analysis predicts that this alteration will not have any significant effect on splicing. Based on the available evidence, the clinical significance of this variant remains unclear.